The following is an entry in ClinVar:

ClinVar aggregate classification (germline): Conflicting classifications of pathogenicity. Review status: criteria provided, conflicting classifications (1 of 4 stars). 5 submissions from 5 submitters: Pathogenic (3); Likely pathogenic (1); Uncertain significance (1). Last evaluated 2025-05-06.

Conditions:
RYR1-related disorder. Also called: RYR1-related condition; RYR1-related disorders. Identifiers: MedGen CN239331.
Malignant hyperthermia, susceptibility to, 1 (MHS1). Also called: Anesthesia related hyperthermia; Malignant hyperpyrexia; Fulminating hyperpyrexia; Pharmacogenic myopathy; Malignant hyperthermia suceptibility 1; RYR1-Related Malignant Hyperthermia Susceptibility. Identifiers: Orphanet 423, MedGen C2930980, MONDO:0007783, OMIM 145600.

gnomAD v4.1: 2 of 1,614,062 alleles (0.00012%); highest among the groups gnomAD compares: African/African-American, 0.0013%; no homozygotes.

Submissions (5):

GeneDx
Classification: Likely pathogenic. Last evaluated: 2025-05-06. Review status: criteria provided, single submitter. Criteria: GeneDx Variant Classification Process June 2021. Collection method: clinical testing. Allele origin: germline. Affected: yes.
Comment: Nonsense variant predicted to result in protein truncation or nonsense mediated decay in a gene for which loss of function is a known mechanism of disease; Not observed at significant frequency in large population cohorts (gnomAD); Has not been previously published as pathogenic or benign to our knowledge; This variant is associated with the following publications: (PMID: 23919265, 28818389, 25960145, 30611313)

ARUP Laboratories, Molecular Genetics and Genomics, ARUP Laboratories
Classification: Pathogenic. Last evaluated: 2024-07-05. Review status: criteria provided, single submitter. Criteria: ARUP Molecular Germline Variant Investigation Process 2024. Collection method: clinical testing. Allele origin: germline.
Comment: The RYR1 c.2485C>T; p.Arg829Ter variant (rs778320565), to our knowledge, is not reported in the medical literature but is reported in ClinVar (Variation ID: 634439). This variant is absent from the Genome Aggregation Database (v2.1.1), indicating it is not a common polymorphism. This variant induces an early termination codon and is predicted to result in a truncated protein or mRNA subject to nonsense-mediated decay. Based on available information, this variant is considered to be pathogenic.

Labcorp Genetics (formerly Invitae), Labcorp
Classification: Pathogenic for RYR1-related disorder. Last evaluated: 2023-09-06. Review status: criteria provided, single submitter. Criteria: Invitae Variant Classification Sherloc (09022015). Collection method: clinical testing. Allele origin: germline.
Comment: For these reasons, this variant has been classified as Pathogenic. ClinVar contains an entry for this variant (Variation ID: 634439). This variant has not been reported in the literature in individuals affected with RYR1-related conditions. This variant is not present in population databases (gnomAD no frequency). This sequence change creates a premature translational stop signal (p.Arg829*) in the RYR1 gene. It is expected to result in an absent or disrupted protein product. Loss-of-function variants in RYR1 are known to be pathogenic (PMID: 23919265, 25960145, 28818389, 30611313).

All of Us Research Program, National Institutes of Health
Classification: Uncertain significance for Malignant hyperthermia, susceptibility to, 1. Last evaluated: 2023-07-19. Review status: criteria provided, single submitter. Criteria: ACMG Guidelines, 2015. Collection method: clinical testing. Allele origin: germline. Inheritance: Autosomal dominant inheritance. Observed: 1 variant allele, 1 heterozygote.
Comment: This variant changes 1 nucleotide in exon 20 of the RYR1 gene, creating a premature translation stop signal. This variant is expected to result in an absent or non-functional protein product. This variant has not been reported in individuals affected with autosomal dominant malignant hyperthermia in the literature, although it is associated with other phenotype(s) (ClinVar variation ID: 634439). This variant has not been identified in the general population by the Genome Aggregation Database (gnomAD). Loss of RYR1 function due to truncation variants is not an established disease mechanism for autosomal dominant malignant hyperthermia susceptibility, although it is associated with other phenotype(s). Due to insufficient evidence, this variant is classified as a Variant of Uncertain Significance for malignant hyperthermia susceptibility.

This study involves interpretation of variants in research participants for the purpose of population health screening. Participant phenotype was not available at the time of variant classification. Additional details can be found in publication PMID: 35346344, PMCID: PMC8962531

Genomic Research Center, Shahid Beheshti University of Medical Sciences
Classification: Pathogenic for RYR1-Related Disorders. Last evaluated: 2019-01-01. Review status: criteria provided, single submitter. Criteria: ACMG Guidelines, 2015. Collection method: research. Allele origin: unknown. Affected: no. Observed: 1 variant allele.

Literature cited by the submitters: PubMed 23919265 (cited by Labcorp Genetics (formerly Invitae), Labcorp); PubMed 25960145 (cited by Labcorp Genetics (formerly Invitae), Labcorp); PubMed 28818389 (cited by Labcorp Genetics (formerly Invitae), Labcorp); PubMed 30611313 (cited by Labcorp Genetics (formerly Invitae), Labcorp).

NM_000540.3(RYR1):c.2485C>T (p.Arg829Ter)

Gene: RYR1 (ryanodine receptor 1; plus strand). Cytogenetic location: 19q13.2.
Variant type: single nucleotide variant.
Coding change: c.2485C>T on transcript NM_000540.3 (MANE Select); coding-DNA position 2485, C replaced by T.
Protein change: p.Arg829Ter; replaces arginine 829 with a stop codon.
Molecular consequence: nonsense.
Genome position (GRCh38, 1-based): chr19:38,460,499, C>T. VCF-style: chr19-38460499-C-T. GRCh37 (hg19) VCF-style: chr19-38951139-C-T.
Other names: c.2485C>T, p.Arg829Ter (NM_001042723.2); short protein forms R829*.
Identifiers: ClinVar variation 634439 (VCV000634439.11), dbSNP rs778320565, ClinGen allele CA405629569.